The following is an entry in ClinVar:

ClinVar aggregate classification (germline): Uncertain significance (1 of 4 stars; one submission).

Submission:

Labcorp Genetics (formerly Invitae), Labcorp
Classification: Uncertain significance. Last evaluated: 2022-09-15. Review status: criteria provided, single submitter. Criteria: Invitae Variant Classification Sherloc (09022015). Collection method: clinical testing. Allele origin: germline.
Comment: This sequence change replaces phenylalanine, which is neutral and non-polar, with leucine, which is neutral and non-polar, at codon 398 of the FOXI3 protein (p.Phe398Leu). This variant is not present in population databases (gnomAD no frequency). This variant has not been reported in the literature in individuals affected with FOXI3-related conditions. Experimental studies and prediction algorithms are not available or were not evaluated, and the functional significance of this variant is currently unknown. In summary, the available evidence is currently insufficient to determine the role of this variant in disease. Therefore, it has been classified as a Variant of Uncertain Significance.

NM_001135649.3(FOXI3):c.1194C>A (p.Phe398Leu)

Gene: FOXI3 (forkhead box I3; minus strand). Cytogenetic location: 2p11.2.
Variant type: single nucleotide variant.
Coding change: c.1194C>A on transcript NM_001135649.3 (MANE Select); coding-DNA position 1194, C replaced by A.
Protein change: p.Phe398Leu; replaces phenylalanine 398 with leucine.
Molecular consequence: missense variant.
Genome position (GRCh38, 1-based): chr2:88,448,276, G>T on the plus strand (C>A on the coding strand, the complement: FOXI3 is on the minus strand). VCF-style: chr2-88448276-G-T. GRCh37 (hg19) VCF-style: chr2-88747795-G-T.
Other names: short protein forms F398L.
Identifiers: ClinVar variation 1719543 (VCV001719543.5), dbSNP rs1675976356, ClinGen allele CA347764092.